The following is an entry in ClinVar:

NM_177438.3(DICER1):c.2389G>T (p.Asp797Tyr)

Gene: DICER1 (dicer 1, ribonuclease III; minus strand). Cytogenetic location: 14q32.13.
Variant type: single nucleotide variant.
Coding change: c.2389G>T on transcript NM_177438.3 (MANE Select); coding-DNA position 2389, G replaced by T.
Protein change: p.Asp797Tyr; replaces aspartic acid 797 with tyrosine.
Molecular consequence: missense variant.
Genome position (GRCh38, 1-based): chr14:95,108,371, C>A on the plus strand (G>T on the coding strand, the complement: DICER1 is on the minus strand). VCF-style: chr14-95108371-C-A. GRCh37 (hg19) VCF-style: chr14-95574708-C-A.
Other names: c.2389G>T, p.Asp797Tyr (NM_001195573.1, NM_001271282.3, NM_001291628.2 and 1 more transcripts); c.2389G>T (NM_177438.2); short protein forms D797Y.
Identifiers: ClinVar variation 1063544 (VCV001063544.11), dbSNP rs2140031938, ClinGen allele CA390882147.
Genomic context (GRCh38, chr14:95,108,371, plus strand): 5'-ATGAAATACCTACCTGAGGTATGGGTTTGGCCGTCAGTATTCCAAAGCATCTTGTGGTAT[C>A]TTCAGGAGGATAGAGCTTCCGCCTTCTAAAGTTGAGTTCATCAGGTAAAGGTGTAGTTAA-3'
Protein context (NP_803187.1, residues 787-807): FRRRKLYPPE[Asp797Tyr]TTRCFGILTA

ClinVar aggregate classification (germline): Uncertain significance. Review status: criteria provided, multiple submitters, no conflicts (2 of 4 stars). 2 submissions from 2 submitters: Uncertain significance (2). Last evaluated 2026-08-03.

Conditions:
DICER1-related tumor predisposition. Also called: DICER1-related pleuropulmonary blastoma cancer predisposition syndrome; DICER1 syndrome. Identifiers: Orphanet 284343, MedGen C3839822, MONDO:0100216.
Hereditary cancer-predisposing syndrome. Also called: Tumor predisposition; Hereditary Cancer Syndrome; Hereditary neoplastic syndrome; Neoplastic Syndromes, Hereditary. Identifiers: Orphanet 140162, MedGen C0027672, MeSH D009386, MONDO:0015356.

Submissions (2):

Ambry Genetics
Classification: Uncertain significance for Hereditary cancer-predisposing syndrome. Last evaluated: 2026-08-03. Review status: criteria provided, single submitter. Criteria: Ambry Variant Classification Scheme 2023. Collection method: clinical testing. Allele origin: germline.
Comment: The p.D797Y variant (also known as c.2389G>T), located in coding exon 14 of the DICER1 gene, results from a G to T substitution at nucleotide position 2389. The aspartic acid at codon 797 is replaced by tyrosine, an amino acid with highly dissimilar properties. This amino acid position is conserved. In addition, this alteration is predicted to be deleterious by in silico analysis. Based on the available evidence, the clinical significance of this variant remains unclear.

Labcorp Genetics (formerly Invitae), Labcorp
Classification: Uncertain significance for DICER1-related tumor predisposition. Last evaluated: 2020-04-06. Review status: criteria provided, single submitter. Criteria: Invitae Variant Classification Sherloc (09022015). Collection method: clinical testing. Allele origin: germline.
Comment: Algorithms developed to predict the effect of missense changes on protein structure and function (SIFT, PolyPhen-2, Align-GVGD) all suggest that this variant is likely to be disruptive, but these predictions have not been confirmed by published functional studies and their clinical significance is uncertain. This variant has not been reported in the literature in individuals with DICER1-related conditions. This variant is not present in population databases (ExAC no frequency). This sequence change replaces aspartic acid with tyrosine at codon 797 of the DICER1 protein (p.Asp797Tyr). The aspartic acid residue is highly conserved and there is a large physicochemical difference between aspartic acid and tyrosine. In summary, the available evidence is currently insufficient to determine the role of this variant in disease. Therefore, it has been classified as a Variant of Uncertain Significance.